The following is an entry in ClinVar:

ClinVar aggregate classification (germline): Uncertain significance (1 of 4 stars; one submission).

gnomAD v4.1: 15 of 1,614,210 alleles (0.00093%); highest among the groups gnomAD compares: East Asian, 0.0045%; no homozygotes.

Submission:

GeneDx
Classification: Uncertain significance. Last evaluated: 2024-04-30. Review status: criteria provided, single submitter. Criteria: GeneDx Variant Classification Process June 2021. Collection method: clinical testing. Allele origin: germline. Affected: yes.
Comment: Not observed at significant frequency in large population cohorts (gnomAD); In silico analysis supports that this missense variant has a deleterious effect on protein structure/function; Has not been previously published as pathogenic or benign to our knowledge

NM_002470.4(MYH3):c.3985G>A (p.Ala1329Thr)

Gene: MYH3 (myosin heavy chain 3; minus strand). Cytogenetic location: 17p13.1.
Variant type: single nucleotide variant.
Coding change: c.3985G>A on transcript NM_002470.4 (MANE Select); coding-DNA position 3985, G replaced by A.
Protein change: p.Ala1329Thr; replaces alanine 1329 with threonine.
Molecular consequence: missense variant.
Genome position (GRCh38, 1-based): chr17:10,635,554, C>T on the plus strand (G>A on the coding strand, the complement: MYH3 is on the minus strand). VCF-style: chr17-10635554-C-T. GRCh37 (hg19) VCF-style: chr17-10538871-C-T.
Other names: short protein forms A1329T.
Identifiers: ClinVar variation 3373230 (VCV003373230.1).
Genomic context (GRCh38, chr17:10,635,554, plus strand): 5'-CATACTGTTCCCGCAGCAGGTCACAGTCGTGGCGGGAGGACTGCAGGGCGTGCGCCAGGG[C>T]GTTCTTGGCCTGCAGAAGTTAAAAAGAGAAGAGCACCTGATATATTTAGTGCCAGGTGCA-3'
Protein context (NP_002461.2, residues 1319-1339): QLEEENKAKN[Ala1329Thr]LAHALQSSRH